The following is an entry in ClinVar:

ClinVar aggregate classification (germline): Pathogenic (1 of 4 stars; one submission).

Conditions:
Syndromic X-linked intellectual disability Najm type (MICPCH). Also called: Intellectual Disability and Microcephaly with Pontine and Cerebellar Hypoplasia; Mental retardation and microcephaly with pontine and cerebellar hypoplasia; MENTAL RETARDATION, X-LINKED, SYNDROMIC, NAJM TYPE; Intellectual Disability and Microcephaly with Pontine and Cerebellar Hypoplasia (MICPCH); MICPCH SYNDROME; Intellectual developmental disorder and microcephaly with pontine and cerebellar hypoplasia. Identifiers: Orphanet 163937, MedGen C2677903, MONDO:0010417, OMIM 300749.

Submission:

Genomic Diagnostic Laboratory, Division of Genomic Diagnostics, Children's Hospital of Philadelphia
Classification: Pathogenic for Mental retardation and microcephaly with pontine and cerebellar hypoplasia. Last evaluated: 2016-09-03. Review status: criteria provided, single submitter. Criteria: DGD Variant Analysis Guidelines. Collection method: clinical testing. Allele origin: germline. Affected: yes. Observed: 1 variant allele.
Comment: Clinical Testing

NM_003688.3:c.116_117delCA

Gene: CASK (calcium/calmodulin dependent serine protein kinase; minus strand). Cytogenetic location: Xp11.4.
Variant type: Deletion.
Identifiers: ClinVar variation 374802 (VCV000374802.2).